The following is an entry in ClinVar:

NM_004415.4(DSP):c.6084dup (p.Tyr2029fs)

Gene: DSP (desmoplakin; plus strand). Cytogenetic location: 6p24.3.
Variant type: Duplication.
Coding change: c.6084dup on transcript NM_004415.4 (MANE Select); coding-DNA position 6084, one base duplicated (A; older notation c.6084dupA).
Protein change: p.Tyr2029fs; shifts the reading frame from tyrosine 2029.
Molecular consequence: frameshift variant.
Genome position (GRCh38, 1-based): chr6:7,583,346, A duplicated; the last of 5 consecutive A bases (chr6:7,583,342-7,583,346); duplicating any one gives the same sequence. VCF-style (leftmost placement, unchanged base first): chr6-7583341-G-GA. GRCh37 (hg19) VCF-style: chr6-7583574-G-GA.
Other names: c.4287dup, p.Tyr1430fs (NM_001008844.3); c.4755dup, p.Tyr1586fs (NM_001319034.2); short protein forms Y1430fs, Y1586fs, Y2029fs.
Identifiers: ClinVar variation 1454080 (VCV001454080.6), dbSNP rs2113699501, ClinGen allele CA2573140816.

ClinVar aggregate classification (germline): Pathogenic (1 of 4 stars; one submission).

Conditions:
Arrhythmogenic cardiomyopathy with wooly hair and keratoderma. Also called: PALMOPLANTAR KERATODERMA WITH LEFT VENTRICULAR CARDIOMYOPATHY AND WOOLLY HAIR; Carvajal syndrome; Dilated cardiomyopathy with woolly hair and keratoderma; Arrhythmogenic cardiomyopathy with woolly hair and keratoderma. Identifiers: Orphanet 65282, MedGen C1854063, MONDO:0011581, OMIM 605676.
Arrhythmogenic right ventricular dysplasia 8 (ARVD8). Also called: ARRHYTHMOGENIC RIGHT VENTRICULAR DYSPLASIA, FAMILIAL, 8; Arrhythmogenic Right Ventricular Dysplasia/Cardiomyopathy 8; ARRHYTHMOGENIC RIGHT VENTRICULAR CARDIOMYOPATHY 8. Identifiers: MedGen C1843896, MONDO:0011831, OMIM 607450.

Submission:

Labcorp Genetics (formerly Invitae), Labcorp
Classification: Pathogenic for Arrhythmogenic cardiomyopathy with wooly hair and keratoderma; Arrhythmogenic right ventricular dysplasia 8. Last evaluated: 2021-11-18. Review status: criteria provided, single submitter. Criteria: Invitae Variant Classification Sherloc (09022015). Collection method: clinical testing. Allele origin: germline.
Comment: This sequence change creates a premature translational stop signal (p.Tyr2029Ilefs*32) in the DSP gene. While this is not anticipated to result in nonsense mediated decay, it is expected to disrupt the last 843 amino acid(s) of the DSP protein. This variant is not present in population databases (gnomAD no frequency). This variant has not been reported in the literature in individuals affected with DSP-related conditions. This variant disrupts a region of the DSP protein in which other variant(s) (p.Glu2728Glyfs*11) have been determined to be pathogenic (Invitae). This suggests that this is a clinically significant region of the protein, and that variants that disrupt it are likely to be disease-causing. For these reasons, this variant has been classified as Pathogenic.